The following is an entry in ClinVar:

ClinVar aggregate classification (germline): Pathogenic (1 of 4 stars; one submission).

Conditions:
Inborn genetic diseases. Identifiers: MedGen C0950123, MeSH D030342.

Submission:

Ambry Genetics
Classification: Pathogenic for Inborn genetic diseases. Last evaluated: 2020-01-14. Review status: criteria provided, single submitter. Criteria: Ambry Variant Classification Scheme 2023. Collection method: clinical testing. Allele origin: germline.
Comment: The c.1258_1261delCTTAinsATAAAC pathogenic mutation, located in coding exon 3 of the UBE3A gene, results from the deletion of 4 nucleotides and insertion of 6 nucleotides causing a translational frameshift with a predicted alternate stop codon (p.L420Ifs*13). This alteration is expected to result in loss of function by premature protein truncation or nonsense-mediated mRNA decay. As such, this alteration is interpreted as a disease-causing mutation.

NM_130839.5(UBE3A):c.1318_1321delinsATAAAC (p.Leu440fs)

Genes: SNHG14 (small nucleolar RNA host gene 14; plus strand), UBE3A (ubiquitin protein ligase E3A; minus strand). Cytogenetic location: 15q11.2.
Variant type: Indel.
Coding change: c.1318_1321delinsATAAAC on transcript NM_130839.5 (MANE Select); coding-DNA positions 1318 to 1321, CTTA replaced by ATAAAC.
Protein change: p.Leu440fs; shifts the reading frame from leucine 440.
Molecular consequence: frameshift variant. On other transcripts: non-coding transcript variant (1), intron variant (2).
Genome position (GRCh38, 1-based): chr15:25,370,853-25,370,856, TAAG replaced by GTTTAT on the plus strand (CTTA replaced by ATAAAC on the coding strand, the reverse complement: UBE3A is on the minus strand). VCF-style: chr15-25370853-TAAG-GTTTAT. GRCh37 (hg19) VCF-style: chr15-25616000-TAAG-GTTTAT.
Other names: c.1327_1330delinsATAAAC, p.Leu443fs (NM_000462.5); c.1318_1321delinsATAAAC, p.Leu440fs (NM_001354505.1, NM_001354538.2, NM_001354545.2); c.1258_1261delinsATAAAC, p.Leu420fs (NM_001354506.2, NM_001354507.2, NM_001354508.2 and 17 more transcripts); c.301+4609_301+4612delinsATAAAC (NM_001354551.2); c.361+4609_361+4612delinsATAAAC (NM_001354550.2); c.1141_1144delinsATAAAC, p.Leu381fs (NM_001354546.2); short protein forms L443fs, L381fs, L420fs, L440fs.
Identifiers: ClinVar variation 1762235 (VCV001762235.2), dbSNP rs2552191544, ClinGen allele CA2580089125.
Genomic context (GRCh38, chr15:25,370,853, plus strand): 5'-AATCTTTATCCATTTCTAGAACCTCATTCAGTGGTTCATTAATAAACTCTTCAAAAGGGA[TAAG>GTTTAT]TGGTTTTCGACAATCCAGGGTTTTAACACCAAGTTCAGTTTCCAGGGGGTCCACTCGAGG-3'